The following is an entry in ClinVar:

NM_004525.3(LRP2):c.3540G>T (p.Glu1180Asp)

Gene: LRP2 (LDL receptor related protein 2; minus strand). Cytogenetic location: 2q31.1.
Variant type: single nucleotide variant.
Coding change: c.3540G>T on transcript NM_004525.3 (MANE Select); coding-DNA position 3540, G replaced by T.
Protein change: p.Glu1180Asp; replaces glutamic acid 1180 with aspartic acid.
Molecular consequence: missense variant.
Genome position (GRCh38, 1-based): chr2:169,243,413, C>A on the plus strand (G>T on the coding strand, the complement: LRP2 is on the minus strand). VCF-style: chr2-169243413-C-A. GRCh37 (hg19) VCF-style: chr2-170099923-C-A.
Other names: short protein forms E1180D.
Identifiers: ClinVar variation 1489097 (VCV001489097.8), dbSNP rs1355755318, ClinGen allele CA349150168.

ClinVar aggregate classification (germline): Uncertain significance (1 of 4 stars; one submission).

Allele frequency attached by ClinVar (database versions not stated): gnomAD exomes 0.00001.
gnomAD v4.1: 11 of 1,614,112 alleles (0.00068%); highest among the groups gnomAD compares: Non-Finnish European, 0.00093%; no homozygotes.

Submission:

Labcorp Genetics (formerly Invitae), Labcorp
Classification: Uncertain significance. Last evaluated: 2022-07-26. Review status: criteria provided, single submitter. Criteria: Invitae Variant Classification Sherloc (09022015). Collection method: clinical testing. Allele origin: germline.
Comment: This sequence change replaces glutamic acid, which is acidic and polar, with aspartic acid, which is acidic and polar, at codon 1180 of the LRP2 protein (p.Glu1180Asp). This variant is present in population databases (no rsID available, gnomAD 0.002%). This variant has not been reported in the literature in individuals affected with LRP2-related conditions. ClinVar contains an entry for this variant (Variation ID: 1489097). Advanced modeling of protein sequence and biophysical properties (such as structural, functional, and spatial information, amino acid conservation, physicochemical variation, residue mobility, and thermodynamic stability) performed at Invitae indicates that this missense variant is expected to disrupt LRP2 protein function. Algorithms developed to predict the effect of sequence changes on RNA splicing suggest that this variant may disrupt the consensus splice site. In summary, the available evidence is currently insufficient to determine the role of this variant in disease. Therefore, it has been classified as a Variant of Uncertain Significance.